The following is an entry in ClinVar:

NM_000051.4(ATM):c.2885C>G (p.Pro962Arg)

Gene: ATM (ATM serine/threonine kinase; plus strand). Cytogenetic location: 11q22.3.
Variant type: single nucleotide variant.
Coding change: c.2885C>G on transcript NM_000051.4 (MANE Select); coding-DNA position 2885, C replaced by G.
Protein change: p.Pro962Arg; replaces proline 962 with arginine.
Molecular consequence: missense variant.
Genome position (GRCh38, 1-based): chr11:108,271,110, C>G. VCF-style: chr11-108271110-C-G. GRCh37 (hg19) VCF-style: chr11-108141837-C-G.
Other names: c.2885C>G, p.Pro962Arg (NM_001351834.2); short protein forms P962R.
Identifiers: ClinVar variation 1006369 (VCV001006369.8), dbSNP rs1591602470, ClinGen allele CA382546872.
Genomic context (GRCh38, chr11:108,271,110, plus strand): 5'-TCCTACCATCTTAGTATCTAATGCTTTTAAAGGAGCTTCCTGGAGAAGAGTACCCCTTGC[C>G]AATGGAAGATGTTCTTGAACTTCTGAAACCACTATCGTAAGAAATTAAAACCTTATGTTA-3'
Protein context (NP_000042.3, residues 952-972): KELPGEEYPL[Pro962Arg]MEDVLELLKP

ClinVar aggregate classification (germline): Uncertain significance (1 of 4 stars; one submission).

Conditions:
Ataxia-telangiectasia syndrome (AT). Also called: Ataxia-telangiectasia, complementation group D; AT, COMPLEMENTATION GROUP C; ATAXIA-TELANGIECTASIA, COMPLEMENTATION GROUP A; ATAXIA-TELANGIECTASIA, FRESNO VARIANT; Ataxia-telangiectasia; Cerebello-oculocutaneous telangiectasia. Identifiers: Orphanet 100, MedGen C0004135, MONDO:0008840, OMIM 208900.

Allele frequency attached by ClinVar (database versions not stated): gnomAD exomes below 0.00001.
gnomAD v4.1: 1 of 1,614,036 alleles (0.000062%); highest among the groups gnomAD compares: South Asian, 0.0011%; no homozygotes.

Submission:

Labcorp Genetics (formerly Invitae), Labcorp
Classification: Uncertain significance for Ataxia-telangiectasia syndrome. Last evaluated: 2020-12-18. Review status: criteria provided, single submitter. Criteria: Invitae Variant Classification Sherloc (09022015). Collection method: clinical testing. Allele origin: germline.
Comment: In summary, the available evidence is currently insufficient to determine the role of this variant in disease. Therefore, it has been classified as a Variant of Uncertain Significance. Advanced modeling of protein sequence and biophysical properties (such as structural, functional, and spatial information, amino acid conservation, physicochemical variation, residue mobility, and thermodynamic stability) performed at Invitae indicates that this missense variant is not expected to disrupt ATM protein function. This variant has not been reported in the literature in individuals with ATM-related conditions. This variant is not present in population databases (ExAC no frequency). This sequence change replaces proline with arginine at codon 962 of the ATM protein (p.Pro962Arg). The proline residue is moderately conserved and there is a moderate physicochemical difference between proline and arginine.